The following is an entry in ClinVar:

NM_001082486.2(ACD):c.1336C>T (p.Leu446=)

Gene: ACD (ACD shelterin complex subunit and telomerase recruitment factor; minus strand). Cytogenetic location: 16q22.1.
Variant type: single nucleotide variant.
Coding change: c.1336C>T on transcript NM_001082486.2 (MANE Select); coding-DNA position 1336, C replaced by T.
Protein change: p.Leu446=; no amino-acid change (leucine 446 retained).
Molecular consequence: synonymous variant.
Genome position (GRCh38, 1-based): chr16:67,657,647, G>A on the plus strand (C>T on the coding strand, the complement: ACD is on the minus strand). VCF-style: chr16-67657647-G-A. GRCh37 (hg19) VCF-style: chr16-67691550-G-A.
Other names: c.1336C>T, p.Leu446= (LRG_1237t1); c.1327C>T, p.Leu443= (NM_022914.3).
Identifiers: ClinVar variation 434065 (VCV000434065.30), dbSNP rs1050346, ClinGen allele CA8114360.

ClinVar aggregate classification (germline): Benign/Likely benign. Review status: criteria provided, multiple submitters, no conflicts (2 of 4 stars). 7 submissions from 7 submitters: Benign (2); Likely benign (4). 1 of the submissions does not count toward it. Last evaluated 2026-01-04.

Conditions:
Inborn genetic diseases. Identifiers: MedGen C0950123, MeSH D030342.
ACD-related disorder. Also called: ACD-related condition.
Dyskeratosis congenita, autosomal dominant 6 (DKCA6). Identifiers: Orphanet 3322, MedGen C4225284, MONDO:0014690, OMIM 616553.

Allele frequency attached by ClinVar (database versions not stated): ExAC 0.00054; 1000 Genomes Project 0.00120; gnomAD 0.00169 and 0.00188; 1000 Genomes Project 30x 0.00172; ESP Exome Variant Server 0.00192; TOPMed 0.00196.
gnomAD v4.1: 511 of 1,614,176 alleles (0.032%); highest among the groups gnomAD compares: African/African-American, 0.62%; 1 homozygote.

Submissions (7):

Labcorp Genetics (formerly Invitae), Labcorp
Classification: Benign for Dyskeratosis congenita, autosomal dominant 6. Last evaluated: 2026-01-04. Review status: criteria provided, single submitter. Criteria: Invitae Variant Classification Sherloc (09022015). Collection method: clinical testing. Allele origin: germline.

CeGaT Center for Human Genetics Tuebingen
Classification: Likely benign. Last evaluated: 2025-07-01. Review status: criteria provided, single submitter. Criteria: CeGaT Center For Human Genetics Tuebingen Variant Classification Criteria Version 2. Collection method: clinical testing. Allele origin: germline. Affected: yes. Observed: 1 variant allele.
Comment: ACD: BP4, BP7

Blueprint Genetics
Classification: Likely benign. Last evaluated: 2024-03-26. Review status: criteria provided, single submitter. Criteria: ACMG Guidelines, 2015. Collection method: clinical testing. Allele origin: germline.

Ambry Genetics
Classification: Likely benign for Inborn genetic diseases. Last evaluated: 2022-02-13. Review status: criteria provided, single submitter. Criteria: Ambry Variant Classification Scheme 2023. Collection method: clinical testing. Allele origin: germline.

Genome-Nilou Lab
Classification: Benign for Dyskeratosis congenita, autosomal dominant 6. Last evaluated: 2021-12-05. Review status: criteria provided, single submitter. Criteria: ACMG Guidelines, 2015. Collection method: clinical testing. Allele origin: germline. Affected: no.

Genetic Services Laboratory, University of Chicago
Classification: Likely benign. Last evaluated: 2016-10-28. Review status: criteria provided, single submitter. Criteria: ACMG Guidelines, 2015. Collection method: clinical testing. Allele origin: germline. Affected: no.

PreventionGenetics, part of Exact Sciences
Classification: Likely benign for ACD-related condition. Last evaluated: 2022-11-04. Review status: no assertion criteria provided. Collection method: clinical testing. Allele origin: germline. Not counted in ClinVar's aggregate classification.
Comment: This variant is classified as likely benign based on ACMG/AMP sequence variant interpretation guidelines (Richards et al. 2015 PMID: 25741868, with internal and published modifications).